The following is an entry in ClinVar:

ClinVar aggregate classification (germline): Uncertain significance (1 of 4 stars; one submission).

Conditions:
Rhabdoid tumor predisposition syndrome 2 (RTPS2). Identifiers: Orphanet 231108, Orphanet 69077, MedGen C2750074, MONDO:0013224, OMIM 613325.

Submission:

Labcorp Genetics (formerly Invitae), Labcorp
Classification: Uncertain significance for Rhabdoid tumor predisposition syndrome 2. Last evaluated: 2020-01-06. Review status: criteria provided, single submitter. Criteria: Invitae Variant Classification Sherloc (09022015). Collection method: clinical testing. Allele origin: germline.
Comment: In summary, the available evidence is currently insufficient to determine the role of this variant in disease. Therefore, it has been classified as a Variant of Uncertain Significance. Algorithms developed to predict the effect of missense changes on protein structure and function are either unavailable or do not agree on the potential impact of this missense change (SIFT: "Tolerated"; PolyPhen-2: "Benign"; Align-GVGD: "Class C0"). This variant has not been reported in the literature in individuals with SMARCA4-related conditions. This variant is not present in population databases (ExAC no frequency). This sequence change replaces glutamine with histidine at codon 347 of the SMARCA4 protein (p.Gln347His). The glutamine residue is moderately conserved and there is a small physicochemical difference between glutamine and histidine.

NM_003072.5(SMARCA4):c.1041G>T (p.Gln347His)

Gene: SMARCA4 (SWI/SNF related BAF chromatin remodeling complex subunit ATPase 4; plus strand). Cytogenetic location: 19p13.2.
Variant type: single nucleotide variant.
Coding change: c.1041G>T on transcript NM_003072.5 (MANE Select); coding-DNA position 1041, G replaced by T.
Protein change: p.Gln347His; replaces glutamine 347 with histidine.
Molecular consequence: missense variant. On other transcripts: non-coding transcript variant (1).
Genome position (GRCh38, 1-based): chr19:10,987,847, G>T. VCF-style: chr19-10987847-G-T. GRCh37 (hg19) VCF-style: chr19-11098523-G-T.
Other names: c.1041G>T, p.Gln347His (NM_001128844.3, NM_001128845.2, NM_001128846.2 and 4 more transcripts); short protein forms Q347H.
Identifiers: ClinVar variation 1018922 (VCV001018922.9), dbSNP rs773687860, ClinGen allele CA404058689.